The following is an entry in ClinVar:

NM_014629.4(ARHGEF10):c.3027C>G (p.Ser1009Arg)

Gene: ARHGEF10 (Rho guanine nucleotide exchange factor 10; plus strand). Cytogenetic location: 8p23.3.
Variant type: single nucleotide variant.
Coding change: c.3027C>G on transcript NM_014629.4 (MANE Select); coding-DNA position 3027, C replaced by G.
Protein change: p.Ser1009Arg; replaces serine 1009 with arginine.
Molecular consequence: missense variant.
Genome position (GRCh38, 1-based): chr8:1,929,391, C>G. VCF-style: chr8-1929391-C-G. GRCh37 (hg19) VCF-style: chr8-1877557-C-G.
Other names: c.2913C>G, p.Ser971Arg (NM_001308152.2); c.3027C>G, p.Ser1009Arg (NM_001308153.3); short protein forms S971R, S1033R, S1009R.
Identifiers: ClinVar variation 2065172 (VCV002065172.2), dbSNP rs765795976, ClinGen allele CA4601162.

ClinVar aggregate classification (germline): Uncertain significance. Review status: criteria provided, multiple submitters, no conflicts (2 of 4 stars). 2 submissions from 2 submitters: Uncertain significance (2). Last evaluated 2025-02-08.

Allele frequency attached by ClinVar (database versions not stated): ExAC 0.00004.
gnomAD v4.1: 51 of 1,613,248 alleles (0.0032%); highest among the groups gnomAD compares: Admixed American, 0.017%; no homozygotes.

Submissions (2):

Ambry Genetics
Classification: Uncertain significance. Last evaluated: 2025-02-08. Review status: criteria provided, single submitter. Criteria: Ambry Variant Classification Scheme 2023. Collection method: clinical testing. Allele origin: germline.

Labcorp Genetics (formerly Invitae), Labcorp
Classification: Uncertain significance. Last evaluated: 2021-08-23. Review status: criteria provided, single submitter. Criteria: Invitae Variant Classification Sherloc (09022015). Collection method: clinical testing. Allele origin: germline.
Comment: This sequence change replaces serine with arginine at codon 1009 of the ARHGEF10 protein (p.Ser1009Arg). The serine residue is weakly conserved and there is a moderate physicochemical difference between serine and arginine. This variant is present in population databases (rs765795976, ExAC 0.006%). This variant has not been reported in the literature in individuals affected with ARHGEF10-related conditions. Algorithms developed to predict the effect of missense changes on protein structure and function (SIFT, PolyPhen-2, Align-GVGD) all suggest that this variant is likely to be tolerated. In summary, the available evidence is currently insufficient to determine the role of this variant in disease. Therefore, it has been classified as a Variant of Uncertain Significance.